The following is an entry in ClinVar:

ClinVar aggregate classification (germline): Uncertain significance. Review status: criteria provided, multiple submitters, no conflicts (2 of 4 stars). 2 submissions from 2 submitters: Uncertain significance (2). Last evaluated 2026-09-03.

Conditions:
Hereditary nonpolyposis colorectal neoplasms. Identifiers: MedGen C0009405, MeSH D003123.
Hereditary cancer-predisposing syndrome. Also called: Neoplastic Syndromes, Hereditary; Hereditary Cancer Syndrome; Hereditary neoplastic syndrome; Tumor predisposition. Identifiers: Orphanet 140162, MedGen C0027672, MeSH D009386, MONDO:0015356.

Submissions (2):

Ambry Genetics
Classification: Uncertain significance for Hereditary cancer-predisposing syndrome. Last evaluated: 2026-09-03. Review status: criteria provided, single submitter. Criteria: Ambry Variant Classification Scheme 2023. Collection method: clinical testing. Allele origin: germline.
Comment: The p.A51D variant (also known as c.152C>A), located in coding exon 2 of the PMS2 gene, results from a C to A substitution at nucleotide position 152. The alanine at codon 51 is replaced by aspartic acid, an amino acid with dissimilar properties. This amino acid position is conserved. In addition, this alteration is predicted to be deleterious by in silico analysis. Based on the available evidence, the clinical significance of this variant remains unclear.

Labcorp Genetics (formerly Invitae), Labcorp
Classification: Uncertain significance for Hereditary nonpolyposis colorectal neoplasms. Last evaluated: 2018-10-03. Review status: criteria provided, single submitter. Criteria: Invitae Variant Classification Sherloc (09022015). Collection method: clinical testing. Allele origin: germline.
Comment: This sequence change replaces alanine with aspartic acid at codon 51 of the PMS2 protein (p.Ala51Asp). The alanine residue is highly conserved and there is a moderate physicochemical difference between alanine and aspartic acid. This variant is not present in population databases (ExAC no frequency). This variant has not been reported in the literature in individuals with PMS2-related disease. Algorithms developed to predict the effect of missense changes on protein structure and function (SIFT, PolyPhen-2, Align-GVGD) all suggest that this variant is likely to be disruptive, but these predictions have not been confirmed by published functional studies and their clinical significance is uncertain. In summary, the available evidence is currently insufficient to determine the role of this variant in disease. Therefore, it has been classified as a Variant of Uncertain Significance.

NM_000535.7(PMS2):c.152C>A (p.Ala51Asp)

Gene: PMS2 (PMS1 homolog 2, mismatch repair system component; minus strand). Cytogenetic location: 7p22.1.
Variant type: single nucleotide variant.
Coding change: c.152C>A on transcript NM_000535.7 (MANE Select); coding-DNA position 152, C replaced by A.
Protein change: p.Ala51Asp; replaces alanine 51 with aspartic acid.
Molecular consequence: missense variant. On other transcripts: 5 prime UTR variant (8), non-coding transcript variant (1), intron variant (3).
Genome position (GRCh38, 1-based): chr7:6,005,903, G>T on the plus strand (C>A on the coding strand, the complement: PMS2 is on the minus strand). VCF-style: chr7-6005903-G-T. GRCh37 (hg19) VCF-style: chr7-6045534-G-T.
Other names: c.-254C>A (NM_001322013.2, NM_001322003.2, NM_001322005.2 and 1 more transcripts); c.152C>A, p.Ala51Asp (NM_001322014.2, NM_001322006.2); c.-333C>A (NM_001322015.2); c.-52-1845C>A (NM_001322008.2); c.-242-1845C>A (NM_001322010.2, NM_001322004.2); c.-64C>A (NM_001322007.2); c.-733C>A (NM_001322011.2, NM_001322012.2); short protein forms A51D.
Identifiers: ClinVar variation 640221 (VCV000640221.9), dbSNP rs1583418405, ClinGen allele CA366744965.